The following is an entry in ClinVar:

NM_032608.7(MYO18B):c.2068+6G>A

Gene: MYO18B (myosin XVIIIB; plus strand). Cytogenetic location: 22q12.1.
Variant type: single nucleotide variant.
Coding change: c.2068+6G>A on transcript NM_032608.7 (MANE Select); 6 bases into the intron after coding-DNA position 2068, G replaced by A.
Molecular consequence: intron variant.
Genome position (GRCh38, 1-based): chr22:25,777,787, G>A. VCF-style: chr22-25777787-G-A. GRCh37 (hg19) VCF-style: chr22-26173754-G-A.
Other names: c.2068+6G>A (NM_001318245.2).
Identifiers: ClinVar variation 1402767 (VCV001402767.3), dbSNP rs944038765, ClinGen allele CA322763159.

ClinVar aggregate classification (germline): Uncertain significance (1 of 4 stars; one submission).

Allele frequency attached by ClinVar (database versions not stated): gnomAD exomes below 0.00001.
gnomAD v4.1: 2 of 1,586,204 alleles (0.00013%); highest among the groups gnomAD compares: Non-Finnish European, 0.00017%; no homozygotes.

Submission:

Labcorp Genetics (formerly Invitae), Labcorp
Classification: Uncertain significance. Last evaluated: 2021-08-19. Review status: criteria provided, single submitter. Criteria: Invitae Variant Classification Sherloc (09022015). Collection method: clinical testing. Allele origin: germline.
Comment: This sequence change falls in intron 8 of the MYO18B gene. It does not directly change the encoded amino acid sequence of the MYO18B protein. It affects a nucleotide within the consensus splice site of the intron. This variant is not present in population databases (ExAC no frequency). This variant has not been reported in the literature in individuals affected with MYO18B-related conditions. Variants that disrupt the consensus splice site are a relatively common cause of aberrant splicing (PMID: 17576681, 9536098). Algorithms developed to predict the effect of sequence changes on RNA splicing suggest that this variant is not likely to affect RNA splicing. In summary, the available evidence is currently insufficient to determine the role of this variant in disease. Therefore, it has been classified as a Variant of Uncertain Significance.

Literature cited by the submitters: PubMed 17576681; PubMed 9536098.